The following is an entry in ClinVar:

NM_006231.4(POLE):c.594C>T (p.Gly198=)

Gene: POLE (DNA polymerase epsilon, catalytic subunit; minus strand). Cytogenetic location: 12q24.33.
Variant type: single nucleotide variant.
Coding change: c.594C>T on transcript NM_006231.4 (MANE Select); coding-DNA position 594, C replaced by T.
Protein change: p.Gly198=; no amino-acid change (glycine 198 retained).
Molecular consequence: synonymous variant.
Genome position (GRCh38, 1-based): chr12:132,677,704, G>A on the plus strand (C>T on the coding strand, the complement: POLE is on the minus strand). VCF-style: chr12-132677704-G-A. GRCh37 (hg19) VCF-style: chr12-133254290-G-A.
Identifiers: ClinVar variation 382509 (VCV000382509.58), dbSNP rs140185156, ClinGen allele CA6894258.

ClinVar aggregate classification (germline): Likely benign. Review status: criteria provided, multiple submitters, no conflicts (2 of 4 stars). 6 submissions from 6 submitters: Likely benign (6). Last evaluated 2026-02-01.

Conditions:
Polymerase proofreading-related adenomatous polyposis. Also called: Polymerase proofreading associated polyposis; Polymerase proofreading–associated polyposis (PPAP). Identifiers: Orphanet 447877, MedGen C5202613, MONDO:0018653.
Familial colorectal cancer type X. Identifiers: Orphanet 440437, MedGen C3896578, MONDO:0018604.
Hereditary cancer-predisposing syndrome. Also called: Neoplastic Syndromes, Hereditary; Hereditary neoplastic syndrome; Tumor predisposition; Hereditary Cancer Syndrome. Identifiers: Orphanet 140162, MedGen C0027672, MeSH D009386, MONDO:0015356.

Allele frequency attached by ClinVar (database versions not stated): gnomAD 0.00007 and 0.00006; ESP Exome Variant Server 0.00008; gnomAD exomes 0.00002 and 0.00003; ExAC 0.00003; TOPMed 0.00005.
gnomAD v4.1: 37 of 1,613,876 alleles (0.0023%); highest among the groups gnomAD compares: East Asian, 0.0045%; no homozygotes.

Submissions (6):

CeGaT Center for Human Genetics Tuebingen
Classification: Likely benign. Last evaluated: 2026-02-01. Review status: criteria provided, single submitter. Criteria: CeGaT Center For Human Genetics Tuebingen Variant Classification Criteria Version 2. Collection method: clinical testing. Allele origin: germline. Affected: yes. Observed: 2 variant alleles.
Comment: POLE: BP4, BP7

Labcorp Genetics (formerly Invitae), Labcorp
Classification: Likely benign. Last evaluated: 2026-01-30. Review status: criteria provided, single submitter. Criteria: Invitae Variant Classification Sherloc (09022015). Collection method: clinical testing. Allele origin: germline.

Blueprint Genetics
Classification: Likely benign. Last evaluated: 2024-07-23. Review status: criteria provided, single submitter. Criteria: ACMG Guidelines, 2015. Collection method: clinical testing. Allele origin: germline.

Department of Pathology and Laboratory Medicine, Sinai Health System
Classification: Likely benign for Polymerase proofreading-related adenomatous polyposis; Familial colorectal cancer type X. Last evaluated: 2024-06-17. Review status: criteria provided, single submitter. Criteria: ACMG Guidelines, 2015. Collection method: clinical testing. Allele origin: germline. Affected: yes.

GeneDx
Classification: Likely benign. Last evaluated: 2019-04-29. Review status: criteria provided, single submitter. Criteria: GeneDx Variant Classification Process June 2021. Collection method: clinical testing. Allele origin: germline. Affected: yes.

Ambry Genetics
Classification: Likely benign for Hereditary cancer-predisposing syndrome. Last evaluated: 2016-01-08. Review status: criteria provided, single submitter. Criteria: Ambry Variant Classification Scheme 2023. Collection method: clinical testing. Allele origin: germline.